The following continues an entry in ClinVar:

NM_007294.4(BRCA1):c.5481G>A (p.Met1827Ile)

Gene: BRCA1. ClinVar aggregate classification (germline): Conflicting classifications of pathogenicity. Uncertain significance (11); Likely benign (2).

Submissions 8 to 14 of 14:

St. Jude Molecular Pathology, St. Jude Children's Research Hospital
Classification: Uncertain significance for Breast-ovarian cancer, familial, susceptibility to, 1. Last evaluated: 2023-11-14. Review status: criteria provided, single submitter. Criteria: St. Jude Assertion Criteria 2020. Collection method: clinical testing. Allele origin: germline.
Comment: The BRCA1 c.5481G>A (p.Met1827Ile) missense change has a maximum subpopulation frequency of 0.012% in gnomAD v2.1.1. The in silico tool REVEL is inconclusive about a pathogenic or benign effect of this variant on protein function, however a saturation genome editing assay has shown that this change does not affect BRCA1 function (PMID: 30209399). This variant is absent in the FLOSSIES database which contains genetic variants from women older than 70 years of age who have never had cancer. To our knowledge, this variant has not been reported in the literature in individuals with hereditary breast and ovarian cancer or Fanconi anemia. In summary, the evidence currently available is insufficient to determine the clinical significance of this variant. It has therefore been classified as of uncertain significance.

All of Us Research Program, National Institutes of Health
Classification: Uncertain significance for Breast-ovarian cancer, familial, susceptibility to, 1. Last evaluated: 2023-04-03. Review status: criteria provided, single submitter. Criteria: ACMG Guidelines, 2015. Collection method: clinical testing. Allele origin: germline. Inheritance: Autosomal dominant inheritance. Observed: 1 variant allele, 1 heterozygote.
Comment: This missense variant replaces methionine with isoleucine at codon 1827 of the BRCA1 protein. Computational prediction suggests that this variant may not impact protein structure and function (internally defined REVEL score threshold <= 0.5, PMID: 27666373). A functional study reported that this variant does not impact BRCA1 function in a haploid human cell proliferation assay (PMID: 30209399). This variant has been detected in a breast cancer case-control meta-analysis in 2/60463 cases and 0/53461 unaffected individuals (PMID: 33471991; Leiden Open Variation Database DB-ID BRCA1_005886). This variant has been identified in 2/250954 chromosomes in the general population by the Genome Aggregation Database (gnomAD). The available evidence is insufficient to determine the role of this variant in disease conclusively. Therefore, this variant is classified as a Variant of Uncertain Significance.

This study involves interpretation of variants in research participants for the purpose of population health screening. Participant phenotype was not available at the time of variant classification. Additional details can be found in publication PMID: 35346344, PMCID: PMC8962531

Department of Pathology and Laboratory Medicine, Sinai Health System
Classification: Uncertain significance for Fanconi anemia, complementation group S. Last evaluated: 2022-08-03. Review status: criteria provided, single submitter. Criteria: ACMG Guidelines, 2015. Collection method: clinical testing. Allele origin: germline. Affected: no.

Ambry Genetics
Classification: Likely benign for Hereditary cancer-predisposing syndrome. Last evaluated: 2020-11-17. Review status: criteria provided, single submitter. Criteria: Ambry Variant Classification Scheme 2023. Collection method: clinical testing. Allele origin: germline.

Laboratorio de Genetica e Diagnostico Molecular, Hospital Israelita Albert Einstein
Classification: Uncertain significance. Last evaluated: 2020-08-31. Review status: criteria provided, single submitter. Criteria: ACMG Guidelines, 2015. Collection method: clinical testing. Allele origin: germline. Affected: yes.
Comment: ACMG classification criteria: PM2, BP4

Quest Diagnostics Nichols Institute San Juan Capistrano
Classification: Uncertain significance. Last evaluated: 2018-11-19. Review status: criteria provided, single submitter. Criteria: Quest Diagnostics criteria. Collection method: clinical testing. Allele origin: germline.

Brotman Baty Institute, University of Washington
No classification provided (evidence only). Condition: Breast-ovarian cancer, familial 1. Review status: no classification provided. Collection method: in vitro. Allele origin: not applicable. Functional consequence: functionally_normal. Not counted in ClinVar's aggregate classification.
ClinVar note: "not provided" was previously submitted as the classification for the variant. However, the classification appeared to be based only on an observation of functional data so it was converted to no classification on 2025-07-30.

Literature cited by the submitters: PubMed 30209399 (cited by 5 submitters); PubMed 34793697 (cited by Labcorp Genetics (formerly Invitae), Labcorp and Lupski Lab, Baylor-Hopkins CMG, Baylor College of Medicine); PubMed 31853058 (cited by Color Diagnostics, LLC DBA Color Health); PubMed 33471991 (cited by Color Diagnostics, LLC DBA Color Health and All of Us Research Program, National Institutes of Health); PubMed 39142283 (cited by Lupski Lab, Baylor-Hopkins CMG, Baylor College of Medicine); DOI 10.1101/2024.04.11.24305690 (cited by Lupski Lab, Baylor-Hopkins CMG, Baylor College of Medicine).